The following is an entry in ClinVar:

ClinVar aggregate classification (germline): Likely benign (1 of 4 stars; one submission).

Allele frequency attached by ClinVar (database versions not stated): gnomAD exomes 0.00089; ExAC 0.00150; gnomAD 0.00161; TOPMed 0.00182; ESP Exome Variant Server 0.00223.
gnomAD v4.1: 1,641 of 1,614,200 alleles (0.1%); highest among the groups gnomAD compares: African/African-American, 0.14%; 24 homozygotes.

Submission:

CeGaT Center for Human Genetics Tuebingen
Classification: Likely benign. Last evaluated: 2022-09-01. Review status: criteria provided, single submitter. Criteria: CeGaT Center For Human Genetics Tuebingen Variant Classification Criteria Version 2. Collection method: clinical testing. Allele origin: germline. Affected: yes. Observed: 1 variant allele.
Comment: C8orf33: BP4, BP7

NM_023080.3(C8orf33):c.627T>G (p.Ser209=)

Gene: C8orf33 (chromosome 8 open reading frame 33; plus strand). Cytogenetic location: 8q24.3.
Variant type: single nucleotide variant.
Coding change: c.627T>G on transcript NM_023080.3 (MANE Select); coding-DNA position 627, T replaced by G.
Protein change: p.Ser209=; no amino-acid change (serine 209 retained).
Molecular consequence: synonymous variant.
Genome position (GRCh38, 1-based): chr8:145,054,094, T>G. VCF-style: chr8-145054094-T-G. GRCh37 (hg19) VCF-style: chr8-146279480-T-G.
Identifiers: ClinVar variation 2659004 (VCV002659004.24), dbSNP rs150773218, ClinGen allele CA4955362.